The following is an entry in ClinVar:

ClinVar aggregate classification (germline): Uncertain significance (0 of 4 stars; one submission).

Conditions:
PLXNA2-related disorder. Also called: PLXNA2-related condition.

Submission:

PreventionGenetics, part of Exact Sciences
Classification: Uncertain significance for PLXNA2-related condition. Last evaluated: 2024-03-14. Review status: no assertion criteria provided. Collection method: clinical testing. Allele origin: germline.
Comment: The PLXNA2 c.861C>A variant is predicted to result in the amino acid substitution p.Asp287Glu. To our knowledge, this variant has not been reported in the literature or in a large population database, indicating this variant is rare. At this time, the clinical significance of this variant is uncertain due to the absence of conclusive functional and genetic evidence.

NM_025179.4(PLXNA2):c.861C>A (p.Asp287Glu)

Gene: PLXNA2 (plexin A2; minus strand). Cytogenetic location: 1q32.2.
Variant type: single nucleotide variant.
Coding change: c.861C>A on transcript NM_025179.4 (MANE Select); coding-DNA position 861, C replaced by A.
Protein change: p.Asp287Glu; replaces aspartic acid 287 with glutamic acid.
Molecular consequence: missense variant.
Genome position (GRCh38, 1-based): chr1:208,217,062, G>T on the plus strand (C>A on the coding strand, the complement: PLXNA2 is on the minus strand). VCF-style: chr1-208217062-G-T. GRCh37 (hg19) VCF-style: chr1-208390407-G-T.
Other names: short protein forms D287E.
Identifiers: ClinVar variation 3349218 (VCV003349218.1).
Genomic context (GRCh38, chr1:208,217,062, plus strand): 5'-GTATTCCACCCCGGCCCGGGTGCAGCCGAAGGGCAGGGACACGTATGAGTGGAACTTGGG[G>T]TCATCCTTGCAGAGCCGCACGATGCGTGAGGTGTAGAAGAGGTCTCCAGCGGAGTTGATG-3'
Protein context (NP_079455.3, residues 277-297): TSRIVRLCKD[Asp287Glu]PKFHSYVSLP